The following is an entry in ClinVar:

NM_000372.5(TYR):c.866G>C (p.Cys289Ser)

Gene: TYR (tyrosinase; plus strand). Cytogenetic location: 11q14.3.
Variant type: single nucleotide variant.
Coding change: c.866G>C on transcript NM_000372.5 (MANE Select); coding-DNA position 866, G replaced by C.
Protein change: p.Cys289Ser; replaces cysteine 289 with serine.
Molecular consequence: missense variant.
Genome position (GRCh38, 1-based): chr11:89,191,248, G>C. VCF-style: chr11-89191248-G-C. GRCh37 (hg19) VCF-style: chr11-88924416-G-C.
Other names: short protein forms C289S.
Identifiers: ClinVar variation 4737617 (VCV004737617.1).

ClinVar aggregate classification (germline): Likely pathogenic (1 of 4 stars; one submission).

Submission:

Labcorp Genetics (formerly Invitae), Labcorp
Classification: Likely pathogenic. Last evaluated: 2025-12-15. Review status: criteria provided, single submitter. Criteria: Invitae Variant Classification Sherloc (09022015). Collection method: clinical testing. Allele origin: germline.
Comment: This sequence change replaces cysteine, which is neutral and slightly polar, with serine, which is neutral and polar, at codon 289 of the TYR protein (p.Cys289Ser). This variant is not present in population databases (gnomAD no frequency). This missense change has been observed in individual(s) with oculocutaneous albinism (PMID: 29345414). Invitae Evidence Modeling of protein sequence and biophysical properties (such as structural, functional, and spatial information, amino acid conservation, physicochemical variation, residue mobility, and thermodynamic stability) indicates that this missense variant is expected to disrupt TYR protein function with a positive predictive value of 95%. This variant disrupts the p.Cys289 amino acid residue in TYR. Other variant(s) that disrupt this residue have been determined to be pathogenic (PMID: 10671066, 10987646). This suggests that this residue is clinically significant, and that variants that disrupt this residue are likely to be disease-causing. In summary, the currently available evidence indicates that the variant is pathogenic, but additional data are needed to prove that conclusively. Therefore, this variant has been classified as Likely Pathogenic.

Literature cited by the submitters: PubMed 29345414; PubMed 10671066; PubMed 10987646.